The following is an entry in ClinVar:

ClinVar aggregate classification (germline): Conflicting classifications of pathogenicity. Review status: criteria provided, conflicting classifications (1 of 4 stars). 2 submissions from 2 submitters: Uncertain significance (1); Likely benign (1). Last evaluated 2026-01-08.

Conditions:
EGFR-related lung cancer (EGFR). Identifiers: MedGen CN130014.
Hereditary cancer-predisposing syndrome. Also called: Hereditary Cancer Syndrome; Neoplastic Syndromes, Hereditary; Tumor predisposition; Hereditary neoplastic syndrome. Identifiers: Orphanet 140162, MedGen C0027672, MeSH D009386, MONDO:0015356.

Allele frequency attached by ClinVar (database versions not stated): gnomAD 0.00001; TOPMed 0.00002; ExAC 0.00004; gnomAD exomes 0.00004.
gnomAD v4.1: 24 of 1,614,158 alleles (0.0015%); highest among the groups gnomAD compares: South Asian, 0.012%; no homozygotes.

Submissions (2):

Labcorp Genetics (formerly Invitae), Labcorp
Classification: Uncertain significance for EGFR-related lung cancer. Last evaluated: 2026-01-08. Review status: criteria provided, single submitter. Criteria: Invitae Variant Classification Sherloc (09022015). Collection method: clinical testing. Allele origin: germline.
Comment: This sequence change replaces arginine, which is basic and polar, with tryptophan, which is neutral and slightly polar, at codon 527 of the EGFR protein (p.Arg527Trp). This variant is present in population databases (rs768627073, gnomAD 0.01%). This variant has not been reported in the literature in individuals affected with EGFR-related conditions. ClinVar contains an entry for this variant (Variation ID: 1024425). Invitae Evidence Modeling of protein sequence and biophysical properties (such as structural, functional, and spatial information, amino acid conservation, physicochemical variation, residue mobility, and thermodynamic stability) indicates that this missense variant is not expected to disrupt EGFR protein function with a negative predictive value of 80%. Algorithms developed to predict the effect of sequence changes on RNA splicing suggest that this variant may disrupt the consensus splice site. In summary, the available evidence is currently insufficient to determine the role of this variant in disease. Therefore, it has been classified as a Variant of Uncertain Significance.

Ambry Genetics
Classification: Likely benign for Hereditary cancer-predisposing syndrome. Last evaluated: 2024-12-09. Review status: criteria provided, single submitter. Criteria: Ambry Variant Classification Scheme 2023. Collection method: clinical testing. Allele origin: germline.

NM_005228.5(EGFR):c.1579C>T (p.Arg527Trp)

Gene: EGFR (epidermal growth factor receptor; plus strand). Cytogenetic location: 7p11.2.
Variant type: single nucleotide variant.
Coding change: c.1579C>T on transcript NM_005228.5 (MANE Select); coding-DNA position 1579, C replaced by T.
Protein change: p.Arg527Trp; replaces arginine 527 with tryptophan.
Molecular consequence: missense variant.
Genome position (GRCh38, 1-based): chr7:55,161,579, C>T. VCF-style: chr7-55161579-C-T. GRCh37 (hg19) VCF-style: chr7-55229272-C-T.
Other names: c.1579C>T (NM_005228.3); c.1444C>T, p.Arg482Trp (NM_001346897.2, NM_001346899.2); c.1579C>T, p.Arg527Trp (NM_001346898.2, NM_201282.2, NM_201284.2); c.1420C>T, p.Arg474Trp (NM_001346900.2); c.778C>T, p.Arg260Trp (NM_001346941.2); short protein forms R260W, R474W, R482W, R527W.
Identifiers: ClinVar variation 1024425 (VCV001024425.6), dbSNP rs768627073, ClinGen allele CA4265620.